The following is an entry in ClinVar:

ClinVar aggregate classification (germline): Pathogenic (1 of 4 stars; one submission).

Conditions:
Seizures, benign familial infantile, 3 (BFIS3). Also called: CONVULSIONS, BENIGN FAMILIAL INFANTILE, 3; Familial neonatal seizures. Identifiers: Orphanet 140927, Orphanet 306, MedGen C1843140, MONDO:0011904, OMIM 607745.
Developmental and epileptic encephalopathy, 11 (DEE11). Also called: Early infantile epileptic encephalopathy 11. Identifiers: Orphanet 1934, MedGen C3150987, MONDO:0013388, OMIM 613721.

Submission:

Labcorp Genetics (formerly Invitae), Labcorp
Classification: Pathogenic for Seizures, benign familial infantile, 3; Developmental and epileptic encephalopathy, 11. Last evaluated: 2022-08-31. Review status: criteria provided, single submitter. Criteria: Invitae Variant Classification Sherloc (09022015). Collection method: clinical testing. Allele origin: germline.
Comment: For these reasons, this variant has been classified as Pathogenic. This sequence change creates a premature translational stop signal (p.Ile825Phefs*2) in the SCN2A gene. It is expected to result in an absent or disrupted protein product. Loss-of-function variants in SCN2A are known to be pathogenic (PMID: 28379373). This variant is not present in population databases (gnomAD no frequency). This variant has not been reported in the literature in individuals affected with SCN2A-related conditions.

Literature cited by the submitters: PubMed 28379373.

NM_001040142.2(SCN2A):c.2473_2474del (p.Ile825fs)

Gene: SCN2A (sodium voltage-gated channel alpha subunit 2; plus strand). Cytogenetic location: 2q24.3.
Variant type: Microsatellite.
Coding change: c.2473_2474del on transcript NM_001040142.2 (MANE Select); coding-DNA positions 2473 to 2474, 2 bases deleted (AT; older notation c.2473_2474delAT).
Protein change: p.Ile825fs; shifts the reading frame from isoleucine 825.
Molecular consequence: frameshift variant.
Genome position (GRCh38, 1-based): chr2:165,342,380-165,342,381, AT deleted; deleting any 2 consecutive bases within chr2:165,342,378-165,342,381 gives the same sequence; the c. name uses the placement nearest the transcript's 3' end. VCF-style (leftmost placement, unchanged base first): chr2-165342377-AAT-A. GRCh37 (hg19) VCF-style: chr2-166198887-AAT-A.
Other names: c.2473_2474del, p.Ile825fs (NM_001040143.2, NM_001371246.1, NM_001371247.1 and 1 more transcripts); short protein forms I825fs.
Identifiers: ClinVar variation 2012048 (VCV002012048.4), dbSNP rs2467999094, ClinGen allele CA2580614378.